The following is an entry in ClinVar:

NM_014795.4(ZEB2):c.2263G>A (p.Asp755Asn)

Gene: ZEB2 (zinc finger E-box binding homeobox 2; minus strand). Cytogenetic location: 2q22.3.
Variant type: single nucleotide variant.
Coding change: c.2263G>A on transcript NM_014795.4 (MANE Select); coding-DNA position 2263, G replaced by A.
Protein change: p.Asp755Asn; replaces aspartic acid 755 with asparagine.
Molecular consequence: missense variant.
Genome position (GRCh38, 1-based): chr2:144,398,924, C>T on the plus strand (G>A on the coding strand, the complement: ZEB2 is on the minus strand). VCF-style: chr2-144398924-C-T. GRCh37 (hg19) VCF-style: chr2-145156491-C-T.
Other names: c.2191G>A, p.Asp731Asn (NM_001171653.2); short protein forms D755N, D731N.
Identifiers: ClinVar variation 1047712 (VCV001047712.8), dbSNP rs1703268061, ClinGen allele CA348708673.
Genomic context (GRCh38, chr2:144,398,924, plus strand): 5'-ATTTTTCAACTGGTTTAATATTGGTAAAATGGGAAGGTTTTGTTAGCCTGAGAGGAGGAT[C>T]ACAATTCGTAACACTGTTGTGGAGTTCTGCTATAGATGGTGATGTTATGGAGTCCATAGG-3'
Protein context (NP_055610.1, residues 745-765): AELHNSVTNC[Asp755Asn]PPLRLTKPSH

ClinVar aggregate classification (germline): Uncertain significance (1 of 4 stars; one submission).

Conditions:
Mowat-Wilson syndrome (MOWS). Also called: Classic Mowat-Wilson Syndrome. Identifiers: Orphanet 2152, MedGen C1856113, MONDO:0009341, OMIM 235730.

Submission:

Labcorp Genetics (formerly Invitae), Labcorp
Classification: Uncertain significance for Mowat-Wilson syndrome. Last evaluated: 2020-03-26. Review status: criteria provided, single submitter. Criteria: Invitae Variant Classification Sherloc (09022015). Collection method: clinical testing. Allele origin: germline.
Comment: This sequence change replaces aspartic acid with asparagine at codon 755 of the ZEB2 protein (p.Asp755Asn). The aspartic acid residue is highly conserved and there is a small physicochemical difference between aspartic acid and asparagine. This variant is not present in population databases (ExAC no frequency). This variant has not been reported in the literature in individuals with ZEB2-related conditions. Algorithms developed to predict the effect of missense changes on protein structure and function are either unavailable or do not agree on the potential impact of this missense change (SIFT: "Tolerated"; PolyPhen-2: "Possibly Damaging"; Align-GVGD: "Class C0"). In summary, the available evidence is currently insufficient to determine the role of this variant in disease. Therefore, it has been classified as a Variant of Uncertain Significance.